The following is an entry in ClinVar:

NM_003041.4(SLC5A2):c.1665+1del

Gene: SLC5A2 (solute carrier family 5 member 2; plus strand). Cytogenetic location: 16p11.2.
Variant type: Deletion.
Coding change: c.1665+1del on transcript NM_003041.4 (MANE Select); the canonical splice donor site of the intron after coding-DNA position 1665, one base deleted (G; older notation c.1665+1delG).
Molecular consequence: splice donor variant.
Genome position (GRCh38, 1-based): chr16:31,489,339, G deleted. VCF-style (leftmost placement, unchanged base first): chr16-31489338-CG-C. GRCh37 (hg19) VCF-style: chr16-31500659-CG-C.
Identifiers: ClinVar variation 3256614 (VCV003256614.2).

ClinVar aggregate classification (germline): Pathogenic/Likely pathogenic. Review status: criteria provided, multiple submitters, no conflicts (2 of 4 stars). 2 submissions from 2 submitters: Pathogenic (1); Likely pathogenic (1). Last evaluated 2024-10-01.

Conditions:
SLC5A2-related disorder. Also called: SLC5A2-related condition.
Familial renal glucosuria (GLYS). Also called: RENAL GLUCOSURIA, AUTOSOMAL DOMINANT; Familial renal glycosuria. Identifiers: Orphanet 69076, MedGen C3245525, MONDO:0009297, OMIM 233100.

Submissions (2):

Blueprint Genetics
Classification: Likely pathogenic for SLC5A2-related disorders. Last evaluated: 2024-10-01. Review status: criteria provided, single submitter. Criteria: ACMG Guidelines, 2015. Collection method: clinical testing. Allele origin: germline. Affected: yes. Observed: 5 variant alleles.

MVZ Medizinische Genetik Mainz
Classification: Pathogenic for Familial renal glucosuria. Last evaluated: 2024-06-26. Review status: criteria provided, single submitter. Criteria: UK Practice Guidelines For Variant Classification V4 01 2020. Collection method: clinical testing. Allele origin: germline. Inheritance: Autosomal recessive inheritance. Observed: 1 variant allele.
Comment: ACMG Criteria: PVS1,PM2_SUP,PP4